The following is an entry in ClinVar:

NM_000578.4(SLC11A1):c.796-5C>T

Gene: SLC11A1 (solute carrier family 11 member 1; plus strand). Cytogenetic location: 2q35.
Variant type: single nucleotide variant.
Coding change: c.796-5C>T on transcript NM_000578.4 (MANE Select); 5 bases into the intron before coding-DNA position 796, C replaced by T.
Molecular consequence: intron variant.
Genome position (GRCh38, 1-based): chr2:218,389,865, C>T. VCF-style: chr2-218389865-C-T. GRCh37 (hg19) VCF-style: chr2-219254588-C-T.
Identifiers: ClinVar variation 3040629 (VCV003040629.2), dbSNP rs374719609, ClinGen allele CA2105077.

ClinVar aggregate classification (germline): Likely benign (0 of 4 stars; one submission).

Conditions:
SLC11A1-related disorder. Also called: SLC11A1-related condition.

Allele frequency attached by ClinVar (database versions not stated): gnomAD 0.00002; TOPMed 0.00002; ESP Exome Variant Server 0.00008.
gnomAD v4.1: 21 of 1,604,408 alleles (0.0013%); highest among the groups gnomAD compares: Admixed American, 0.019%; no homozygotes.

Submission:

PreventionGenetics, part of Exact Sciences
Classification: Likely benign for SLC11A1-related condition. Last evaluated: 2019-10-28. Review status: no assertion criteria provided. Collection method: clinical testing. Allele origin: germline.
Comment: This variant is classified as likely benign based on ACMG/AMP sequence variant interpretation guidelines (Richards et al. 2015 PMID: 25741868, with internal and published modifications).